The following is an entry in ClinVar:

NM_032638.5(GATA2):c.1168A>G (p.Lys390Glu)

Gene: GATA2 (GATA binding protein 2; minus strand). Cytogenetic location: 3q21.3.
Variant type: single nucleotide variant.
Coding change: c.1168A>G on transcript NM_032638.5 (MANE Select); coding-DNA position 1168, A replaced by G.
Protein change: p.Lys390Glu; replaces lysine 390 with glutamic acid.
Molecular consequence: missense variant.
Genome position (GRCh38, 1-based): chr3:128,481,294, T>C on the plus strand (A>G on the coding strand, the complement: GATA2 is on the minus strand). VCF-style: chr3-128481294-T-C. GRCh37 (hg19) VCF-style: chr3-128200137-T-C.
Other names: c.1168A>G, p.Lys390Glu (NM_001145661.2); c.1126A>G, p.Lys376Glu (NM_001145662.1); short protein forms K376E, K390E.
Identifiers: ClinVar variation 1184011 (VCV001184011.3), dbSNP rs2107668094, ClinGen allele CA354413320.
Genomic context (GRCh38, chr3:128,481,294, plus strand): 5'-CTTTCTTGCTCTTCTTGGACTTGTTGGACATCTTCCGGTTCCGAGTCTGGATCCCTTCCT[T>C]CTTCATGGTCAGTGGCCTGTTAACCTAGAGGCAACCACCAGTTTTCAGAGGGCCAGTTCC-3'
Protein context (NP_116027.2, residues 380-400): HNVNRPLTMK[Lys390Glu]EGIQTRNRKM

ClinVar aggregate classification (germline): Conflicting classifications of pathogenicity. Review status: criteria provided, conflicting classifications (1 of 4 stars). 3 submissions from 3 submitters: Likely pathogenic (1); Uncertain significance (2). Last evaluated 2025-04-04.

Conditions:
GATA2 deficiency with susceptibility to MDS/AML. Identifiers: MedGen CN300066, MONDO:0042982.
Deafness-lymphedema-leukemia syndrome. Also called: Lymphedema, primary, with myelodysplasia; Emberger syndrome. Identifiers: Orphanet 3226, MedGen C3279664, MONDO:0013540, OMIM 614038.
Monocytopenia with susceptibility to infections. Also called: MONOCYTOPENIA AND MYCOBACTERIAL INFECTION SYNDROME; MONOCYTOPENIA WITH SUSCEPTIBILITY TO MYCOBACTERIAL, FUNGAL, AND PAPILLOMAVIRUS INFECTIONS AND MYELODYSPLASIA; COMBINED IMMUNODEFICIENCY WITH SUSCEPTIBILITY TO MYCOBACTERIAL, VIRAL, AND FUNGAL INFECTIONS; Dendritic cell, monocyte, B lymphocyte, and natural killer lymphocyte deficiency; IMMUNODEFICIENCY 21; GATA2 DEFICIENCY. Identifiers: Orphanet 228423, MedGen C3280030, MONDO:0013607, OMIM 614172.
Acute myeloid leukemia (AML). Also called: Leukemia, acute myeloid, somatic; Leukemia, acute myelogenous, somatic; Acute myeloid leukemia, adult; AML adult; Acute non-lymphocytic leukemia; Acute granulocytic leukemia. Identifiers: Orphanet 519, MedGen C0023467, MeSH D015470, MONDO:0018874, OMIM 601626, HP:0004808. Disease mechanism: Constitutively activated FLT3.
Myelodysplastic syndrome (MDS). Also called: MYELODYSPLASTIC SYNDROME, SUSCEPTIBILITY TO; Myelodysplastic syndrome, somatic; Myelodysplastic syndromes. Identifiers: Orphanet 52688, MedGen C3463824, MeSH D009190, MONDO:0018881, OMIM 614286.

Submissions (3):

Labcorp Genetics (formerly Invitae), Labcorp
Classification: Uncertain significance for Monocytopenia with susceptibility to infections; Deafness-lymphedema-leukemia syndrome. Last evaluated: 2025-04-04. Review status: criteria provided, single submitter. Criteria: Invitae Variant Classification Sherloc (09022015). Collection method: clinical testing. Allele origin: germline.
Comment: This sequence change replaces lysine, which is basic and polar, with glutamic acid, which is acidic and polar, at codon 390 of the GATA2 protein (p.Lys390Glu). This variant is not present in population databases (gnomAD no frequency). This missense change has been observed in individual(s) with myelodysplastic syndrome (PMID: 26702063). ClinVar contains an entry for this variant (Variation ID: 1184011). Invitae Evidence Modeling of protein sequence and biophysical properties (such as structural, functional, and spatial information, amino acid conservation, physicochemical variation, residue mobility, and thermodynamic stability) indicates that this missense variant is expected to disrupt GATA2 protein function with a positive predictive value of 80%. In summary, the available evidence is currently insufficient to determine the role of this variant in disease. Therefore, it has been classified as a Variant of Uncertain Significance.

Fulgent Genetics
Classification: Uncertain significance for Acute myeloid leukemia; Deafness-lymphedema-leukemia syndrome; Monocytopenia with susceptibility to infections; Myelodysplastic syndrome. Last evaluated: 2024-03-18. Review status: criteria provided, single submitter. Criteria: ACMG Guidelines, 2015. Collection method: clinical testing. Allele origin: germline.

Molecular Pathology Research Laboratory, SA Pathology
Classification: Likely pathogenic for GATA2 deficiency with susceptibility to MDS/AML; Deafness-lymphedema-leukemia syndrome. Last evaluated: 2021-07-06. Review status: criteria provided, single submitter. Criteria: ACMG Guidelines, 2015. Collection method: curation. Allele origin: unknown. Inheritance: Autosomal dominant inheritance. Affected: yes. Observed: 1 variant allele.
Comment: PS4_Moderate, PM1, PM2, PP3

Literature cited by the submitters: PubMed 26702063 (cited by Labcorp Genetics (formerly Invitae), Labcorp and Molecular Pathology Research Laboratory, SA Pathology).